The following is an entry in ClinVar:

ClinVar aggregate classification (germline): Conflicting classifications of pathogenicity. Review status: criteria provided, conflicting classifications (1 of 4 stars). 3 submissions from 3 submitters: Uncertain significance (1); Likely benign (2). Last evaluated 2025-09-03.

Conditions:
Inborn genetic diseases. Identifiers: MedGen C0950123, MeSH D030342.

Allele frequency attached by ClinVar (database versions not stated): gnomAD 0.00001; gnomAD exomes 0.00004 and 0.00007; ExAC 0.00010.
gnomAD v4.1: 62 of 1,613,030 alleles (0.0038%); highest among the groups gnomAD compares: South Asian, 0.044%; no homozygotes.

Submissions (3):

Labcorp Genetics (formerly Invitae), Labcorp
Classification: Uncertain significance. Last evaluated: 2025-09-03. Review status: criteria provided, single submitter. Criteria: Invitae Variant Classification Sherloc (09022015). Collection method: clinical testing. Allele origin: germline.
Comment: This sequence change replaces arginine, which is basic and polar, with cysteine, which is neutral and slightly polar, at codon 3156 of the SRCAP protein (p.Arg3156Cys). This variant is present in population databases (rs777257965, gnomAD 0.05%), and has an allele count higher than expected for a pathogenic variant. This variant has not been reported in the literature in individuals affected with SRCAP-related conditions. ClinVar contains an entry for this variant (Variation ID: 1372345). Invitae Evidence Modeling of protein sequence and biophysical properties (such as structural, functional, and spatial information, amino acid conservation, physicochemical variation, residue mobility, and thermodynamic stability) indicates that this missense variant is not expected to disrupt SRCAP protein function with a negative predictive value of 80%. In summary, the available evidence is currently insufficient to determine the role of this variant in disease. Therefore, it has been classified as a Variant of Uncertain Significance.

CeGaT Center for Human Genetics Tuebingen
Classification: Likely benign. Last evaluated: 2024-07-01. Review status: criteria provided, single submitter. Criteria: CeGaT Center For Human Genetics Tuebingen Variant Classification Criteria Version 2. Collection method: clinical testing. Allele origin: germline. Affected: yes. Observed: 1 variant allele.
Comment: SRCAP: BP4, BS2

Ambry Genetics
Classification: Likely benign for Inborn genetic diseases. Last evaluated: 2022-09-22. Review status: criteria provided, single submitter. Criteria: Ambry Variant Classification Scheme 2023. Collection method: clinical testing. Allele origin: germline.

NM_006662.3(SRCAP):c.9466C>T (p.Arg3156Cys)

Gene: SRCAP (Snf2 related CREBBP activator protein; plus strand). Cytogenetic location: 16p11.2.
Variant type: single nucleotide variant.
Coding change: c.9466C>T on transcript NM_006662.3 (MANE Select); coding-DNA position 9466, C replaced by T.
Protein change: p.Arg3156Cys; replaces arginine 3156 with cysteine.
Molecular consequence: missense variant.
Genome position (GRCh38, 1-based): chr16:30,739,506, C>T. VCF-style: chr16-30739506-C-T. GRCh37 (hg19) VCF-style: chr16-30750827-C-T.
Other names: c.9466C>T (NM_006662.2); short protein forms R3156C.
Identifiers: ClinVar variation 1372345 (VCV001372345.26), dbSNP rs777257965, ClinGen allele CA8012926.